The following is an entry in ClinVar:

ClinVar aggregate classification (germline): Likely pathogenic (1 of 4 stars; one submission).

Conditions:
Neuropathy, hereditary sensory, type 2C. Also called: KIF1A-Related HSAN2 (HSAN2C); Hereditary sensory and autonomic neuropathy type IIC. Identifiers: Orphanet 970, MedGen C3280168, MONDO:0013634, OMIM 614213.
Hereditary spastic paraplegia 30. Identifiers: Orphanet 101010, MedGen C5235139, MONDO:0012476.
Intellectual disability, autosomal dominant 9 (NESCAVS). Also called: KIF1A-Related Neurodevelopmental Disorder; NESCAV SYNDROME. Identifiers: Orphanet 662367, MedGen C5393830, MONDO:0013656, OMIM 614255.

Submission:

Labcorp Genetics (formerly Invitae), Labcorp
Classification: Likely pathogenic for Hereditary spastic paraplegia 30; Neuropathy, hereditary sensory, type 2C; Intellectual disability, autosomal dominant 9. Last evaluated: 2024-04-01. Review status: criteria provided, single submitter. Criteria: Invitae Variant Classification Sherloc (09022015). Collection method: clinical testing. Allele origin: germline.
Comment: This sequence change affects a splice site in intron 8 of the KIF1A gene. It is expected to disrupt RNA splicing. Variants that disrupt the donor or acceptor splice site typically lead to a loss of protein function (PMID: 16199547), and loss-of-function variants in KIF1A are known to be pathogenic (PMID: 21820098). This variant is not present in population databases (gnomAD no frequency). This variant has not been reported in the literature in individuals affected with KIF1A-related conditions. In summary, the currently available evidence indicates that the variant is pathogenic, but additional data are needed to prove that conclusively. Therefore, this variant has been classified as Likely Pathogenic.

Literature cited by the submitters: PubMed 16199547; PubMed 21820098.

NM_001244008.2(KIF1A):c.864+1_864+24del

Gene: KIF1A (kinesin family member 1A; minus strand). Cytogenetic location: 2q37.3.
Variant type: Deletion.
Coding change: c.864+1_864+24del on transcript NM_001244008.2 (MANE Select); the canonical splice donor site of the intron after coding-DNA position 864 through 24 bases into the intron after coding-DNA position 864, 24 bases deleted (GTGAGTGGCCCGGCCCGGCTTCCA).
Molecular consequence: splice donor variant.
Genome position (GRCh38, 1-based): chr2:240,783,020-240,783,043, TGGAAGCCGGGCCGGGCCACTCAC deleted on the plus strand (GTGAGTGGCCCGGCCCGGCTTCCA on the coding strand, the reverse complement: KIF1A is on the minus strand). VCF-style (leftmost placement, unchanged base first): chr2-240783019-ATGGAAGCCGGGCCGGGCCACTCAC-A. GRCh37 (hg19) VCF-style: chr2-241722436-ATGGAAGCCGGGCCGGGCCACTCAC-A.
Other names: c.864+1_864+24del (NM_001379653.1, NM_001379650.1, NM_001379645.1 and 20 more transcripts).
Identifiers: ClinVar variation 3755230 (VCV003755230.2).
Genomic context (GRCh38, chr2:240,783,019, plus strand): 5'-CCCGGAAACGAGGGTGACAGGGGCAGGATGGGGCGCCAAAGACCCTCTGGGGTTCTGGCT[ATGGAAGCCGGGCCGGGCCACTCAC>A]CATTTCAGCCAGGGCGGAGATGACCTTGCCCAGGGTGGTCAGCGACTTGTTGATGTTGGC-3'